The following is an entry in ClinVar:

NM_017415.3(KLHL3):c.1220-12C>T

Gene: KLHL3 (kelch like family member 3; minus strand). Cytogenetic location: 5q31.2.
Variant type: single nucleotide variant.
Coding change: c.1220-12C>T on transcript NM_017415.3 (MANE Select); 12 bases into the intron before coding-DNA position 1220, C replaced by T.
Molecular consequence: intron variant.
Genome position (GRCh38, 1-based): chr5:137,637,407, G>A on the plus strand (C>T on the coding strand, the complement: KLHL3 is on the minus strand). VCF-style: chr5-137637407-G-A. GRCh37 (hg19) VCF-style: chr5-136973096-G-A.
Other names: c.1124-12C>T (NM_001257194.1); c.974-12C>T (NM_001257195.2).
Identifiers: ClinVar variation 907061 (VCV000907061.5), dbSNP rs377696339, ClinGen allele CA3422259.

ClinVar aggregate classification (germline): Likely benign. Review status: criteria provided, multiple submitters, no conflicts (2 of 4 stars). 2 submissions from 2 submitters: Likely benign (2). Last evaluated 2025-10-21.

Conditions:
Pseudohypoaldosteronism type 2D (PHA2D). Also called: FAMILIAL HYPERKALEMIC HYPERTENSION; PSEUDOHYPOALDOSTERONISM, TYPE IID, AUTOSOMAL DOMINANT OR RECESSIVE; Pseudohypoaldosteronism Type IID. Identifiers: Orphanet 300525, Orphanet 757, MedGen C3469605, MONDO:0013781, OMIM 614495.

Allele frequency attached by ClinVar (database versions not stated): gnomAD 0.00007 and 0.00008; ExAC 0.00008; ESP Exome Variant Server 0.00008; TOPMed 0.00009; gnomAD exomes 0.00013 and 0.00023.
gnomAD v4.1: 339 of 1,609,374 alleles (0.021%); highest among the groups gnomAD compares: Non-Finnish European, 0.029%; no homozygotes.

Submissions (2):

Labcorp Genetics (formerly Invitae), Labcorp
Classification: Likely benign. Last evaluated: 2025-10-21. Review status: criteria provided, single submitter. Criteria: Invitae Variant Classification Sherloc (09022015). Collection method: clinical testing. Allele origin: germline.

Illumina Laboratory Services, Illumina
Classification: Likely benign for Pseudohypoaldosteronism type 2D. Last evaluated: 2018-01-12. Review status: criteria provided, single submitter. Criteria: ICSL Variant Classification Criteria 13 December 2019. Collection method: clinical testing. Allele origin: germline.
Comment: This variant was observed in the ICSL laboratory as part of a predisposition screen in an ostensibly healthy population. It had not been previously curated by ICSL or reported in the Human Gene Mutation Database (HGMD: prior to June 1st, 2018), and was therefore a candidate for classification through an automated scoring system. Utilizing variant allele frequency, disease prevalence and penetrance estimates, and inheritance mode, an automated score was calculated to assess if this variant is too frequent to cause the disease. Based on the score and internal cut-off values, a variant classified as likely benign is not then subjected to further curation. The score for this variant resulted in a classification of likely benign for this disease.